The following is an entry in ClinVar:

NM_001130009.3(GEN1):c.887G>C (p.Cys296Ser)

Gene: GEN1 (GEN1 structure-specific endonuclease; plus strand). Cytogenetic location: 2p24.2.
Variant type: single nucleotide variant.
Coding change: c.887G>C on transcript NM_001130009.3 (MANE Select); coding-DNA position 887, G replaced by C.
Protein change: p.Cys296Ser; replaces cysteine 296 with serine.
Molecular consequence: missense variant.
Genome position (GRCh38, 1-based): chr2:17,772,718, G>C. VCF-style: chr2-17772718-G-C. GRCh37 (hg19) VCF-style: chr2-17953985-G-C.
Other names: c.887G>C, p.Cys296Ser (NM_182625.5); short protein forms C296S.
Identifiers: ClinVar variation 4857957 (VCV004857957.1).

ClinVar aggregate classification (germline): Uncertain significance (1 of 4 stars; one submission).

gnomAD v4.1: 24 of 1,611,752 alleles (0.0015%); highest among the groups gnomAD compares: Non-Finnish European, 0.002%; no homozygotes.

Submission:

Ambry Genetics
Classification: Uncertain significance. Last evaluated: 2026-04-09. Review status: criteria provided, single submitter. Criteria: Ambry Variant Classification Scheme 2023. Collection method: clinical testing. Allele origin: germline.
Comment: The p.C296S variant (also known as c.887G>C), located in coding exon 7 of the GEN1 gene, results from a G to C substitution at nucleotide position 887. The cysteine at codon 296 is replaced by serine, an amino acid with dissimilar properties. This amino acid position is conserved. In addition, this alteration is predicted to be deleterious by in silico analysis. Based on the available evidence, the clinical significance of this variant remains unclear.